The following is an entry in ClinVar:

NM_001129.5(AEBP1):c.748A>C (p.Ile250Leu)

Gene: AEBP1 (AE binding protein 1; plus strand). Cytogenetic location: 7p13.
Variant type: single nucleotide variant.
Coding change: c.748A>C on transcript NM_001129.5 (MANE Select); coding-DNA position 748, A replaced by C.
Protein change: p.Ile250Leu; replaces isoleucine 250 with leucine.
Molecular consequence: missense variant.
Genome position (GRCh38, 1-based): chr7:44,107,817, A>C. VCF-style: chr7-44107817-A-C. GRCh37 (hg19) VCF-style: chr7-44147416-A-C.
Other names: short protein forms I250L.
Identifiers: ClinVar variation 3769389 (VCV003769389.2).

ClinVar aggregate classification (germline): Uncertain significance (1 of 4 stars; one submission).

gnomAD v4.1: 26 of 1,611,784 alleles (0.0016%); highest among the groups gnomAD compares: Non-Finnish European, 0.0019%; no homozygotes.

Submission:

Women's Health and Genetics/Laboratory Corporation of America, LabCorp
Classification: Uncertain significance. Last evaluated: 2025-01-27. Review status: criteria provided, single submitter. Criteria: LabCorp Variant Classification Summary - May 2015. Collection method: clinical testing. Allele origin: germline.
Comment: Variant summary: AEBP1 c.748A>C (p.Ile250Leu) results in a conservative amino acid change in the encoded protein sequence. Four of four in-silico tools predict a benign effect of the variant on protein function. The variant allele was found at a frequency of 1.6e-05 in 1604822 control chromosomes in the gnomAD database (v4.1 dataset). This frequency is not significantly higher than estimated for a pathogenic variant in AEBP1 causing Ehlers-Danlos syndrome, classic-like, 2 (1.6e-05 vs 0.0011), allowing no conclusion about variant significance. To our knowledge, no occurrence of c.748A>C in individuals affected with Ehlers-Danlos syndrome, classic-like, 2 and no experimental evidence demonstrating its impact on protein function have been reported. No submitters have cited clinical-significance assessments for this variant to ClinVar. Based on the evidence outlined above, the variant was classified as uncertain significance.